The following is an entry in ClinVar:

NM_001004334.4(GPR179):c.1160G>A (p.Cys387Tyr)

Gene: GPR179 (G protein-coupled receptor 179; minus strand). Cytogenetic location: 17q12.
Variant type: single nucleotide variant.
Coding change: c.1160G>A on transcript NM_001004334.4 (MANE Select); coding-DNA position 1160, G replaced by A.
Protein change: p.Cys387Tyr; replaces cysteine 387 with tyrosine.
Molecular consequence: missense variant.
Genome position (GRCh38, 1-based): chr17:38,337,045, C>T on the plus strand (G>A on the coding strand, the complement: GPR179 is on the minus strand). VCF-style: chr17-38337045-C-T. GRCh37 (hg19) VCF-style: chr17-36492928-C-T.
Other names: short protein forms C387Y.
Identifiers: ClinVar variation 2113915 (VCV002113915.4), dbSNP rs777594501, ClinGen allele CA398887664.

ClinVar aggregate classification (germline): Uncertain significance (1 of 4 stars; one submission).

Submission:

Labcorp Genetics (formerly Invitae), Labcorp
Classification: Uncertain significance. Last evaluated: 2022-03-18. Review status: criteria provided, single submitter. Criteria: Invitae Variant Classification Sherloc (09022015). Collection method: clinical testing. Allele origin: germline.
Comment: This sequence change replaces cysteine, which is neutral and slightly polar, with tyrosine, which is neutral and polar, at codon 387 of the GPR179 protein (p.Cys387Tyr). This variant is not present in population databases (gnomAD no frequency). This variant has not been reported in the literature in individuals affected with GPR179-related conditions. Algorithms developed to predict the effect of missense changes on protein structure and function are either unavailable or do not agree on the potential impact of this missense change (SIFT: "Deleterious"; PolyPhen-2: "Possibly Damaging"; Align-GVGD: "Class C0"). In summary, the available evidence is currently insufficient to determine the role of this variant in disease. Therefore, it has been classified as a Variant of Uncertain Significance.